The following is an entry in ClinVar:

NM_001003800.2(BICD2):c.793A>G (p.Met265Val)

Gene: BICD2 (BICD cargo adaptor 2; minus strand). Cytogenetic location: 9q22.31.
Variant type: single nucleotide variant.
Coding change: c.793A>G on transcript NM_001003800.2 (MANE Select); coding-DNA position 793, A replaced by G.
Protein change: p.Met265Val; replaces methionine 265 with valine.
Molecular consequence: missense variant.
Genome position (GRCh38, 1-based): chr9:92,720,569, T>C on the plus strand (A>G on the coding strand, the complement: BICD2 is on the minus strand). VCF-style: chr9-92720569-T-C. GRCh37 (hg19) VCF-style: chr9-95482851-T-C.
Other names: c.793A>G, p.Met265Val (NM_015250.4); short protein forms M265V.
Identifiers: ClinVar variation 1398905 (VCV001398905.7), dbSNP rs779331320, ClinGen allele CA5126721.

ClinVar aggregate classification (germline): Likely benign. Review status: criteria provided, multiple submitters, no conflicts (2 of 4 stars). 2 submissions from 2 submitters: Likely benign (2). Last evaluated 2026-03-09.

Conditions:
Autosomal dominant childhood-onset proximal spinal muscular atrophy with contractures (SMALED2A). Also called: SPINAL MUSCULAR ATROPHY, LOWER EXTREMITY-PREDOMINANT, 2A, CHILDHOOD ONSET, AUTOSOMAL DOMINANT; Spinal muscular atrophy, lower extremity-predominant, 2A, autosomal dominant. Identifiers: Orphanet 363447, Orphanet 363454, MedGen C4747715, MONDO:0014121, OMIM 615290.

Allele frequency attached by ClinVar (database versions not stated): ExAC 0.00001; gnomAD exomes 0.00003.

Submissions (2):

Women's Health and Genetics/Laboratory Corporation of America, LabCorp
Classification: Likely benign. Last evaluated: 2026-03-09. Review status: criteria provided, single submitter. Criteria: LabCorp Variant Classification Summary - May 2015. Collection method: clinical testing. Allele origin: germline.
Comment: Variant summary: BICD2 c.793A>G (p.Met265Val) results in a conservative amino acid change in the encoded protein sequence. Algorithms developed to predict the effect of missense changes on protein structure and function are either unavailable or do not agree on the potential impact of this missense change. The variant allele was found at a frequency of 2.2e-05 in 1614142 control chromosomes, predominantly at a frequency of 2.9e-05 within the Non-Finnish European subpopulation in the gnomAD database. The observed variant frequency within Non-Finnish European control individuals in the gnomAD database exceeds the estimated maximal expected allele frequency for disease-causing variants in BICD2. To our knowledge, no experimental evidence demonstrating its impact on protein function has been reported. ClinVar contains an entry for this variant (Variation ID: 1398905). Based on the evidence outlined above, the variant was classified as likely benign.

Labcorp Genetics (formerly Invitae), Labcorp
Classification: Likely benign for Autosomal dominant childhood-onset proximal spinal muscular atrophy with contractures. Last evaluated: 2022-06-27. Review status: criteria provided, single submitter. Criteria: Invitae Variant Classification Sherloc (09022015). Collection method: clinical testing. Allele origin: germline.